The following is an entry in ClinVar:

ClinVar aggregate classification (germline): Conflicting classifications of pathogenicity. Review status: criteria provided, conflicting classifications (1 of 4 stars). 3 submissions from 3 submitters: Uncertain significance (1); Likely benign (1). 1 of the submissions does not count toward it. Last evaluated 2026-01-12.

Conditions:
FRAS1-related disorder. Also called: FRAS1-related condition.
Fraser syndrome 1 (FRASRS1). Also called: CRYPTOPHTHALMOS WITH OTHER MALFORMATIONS. Identifiers: Orphanet 2052, MedGen C4551480, MONDO:0054737, OMIM 219000.

Allele frequency attached by ClinVar (database versions not stated): gnomAD exomes 0.00001 and 0.00004; ExAC 0.00003; gnomAD 0.00003 and 0.00004; TOPMed 0.00006.
gnomAD v4.1: 34 of 1,586,836 alleles (0.0021%); highest among the groups gnomAD compares: East Asian, 0.027%; no homozygotes.

Submissions (3):

Labcorp Genetics (formerly Invitae), Labcorp
Classification: Likely benign. Last evaluated: 2026-01-12. Review status: criteria provided, single submitter. Criteria: Invitae Variant Classification Sherloc (09022015). Collection method: clinical testing. Allele origin: germline.

Illumina Laboratory Services, Illumina
Classification: Uncertain significance for Fraser syndrome 1. Last evaluated: 2018-01-12. Review status: criteria provided, single submitter. Criteria: ICSL Variant Classification Criteria 13 December 2019. Collection method: clinical testing. Allele origin: germline.

PreventionGenetics, part of Exact Sciences
Classification: Likely benign for FRAS1-related condition. Last evaluated: 2024-06-05. Review status: no assertion criteria provided. Collection method: clinical testing. Allele origin: germline. Not counted in ClinVar's aggregate classification.
Comment: This variant is classified as likely benign based on ACMG/AMP sequence variant interpretation guidelines (Richards et al. 2015 PMID: 25741868, with internal and published modifications).

NM_025074.7(FRAS1):c.3649-9A>C

Gene: FRAS1 (Fraser extracellular matrix complex subunit 1; plus strand). Cytogenetic location: 4q21.21.
Variant type: single nucleotide variant.
Coding change: c.3649-9A>C on transcript NM_025074.7 (MANE Select); 9 bases into the intron before coding-DNA position 3649, A replaced by C.
Molecular consequence: intron variant.
Genome position (GRCh38, 1-based): chr4:78,387,366, A>C. VCF-style: chr4-78387366-A-C. GRCh37 (hg19) VCF-style: chr4-79308520-A-C.
Other names: c.3649-9A>C (NM_001166133.2).
Identifiers: ClinVar variation 723430 (VCV000723430.12), dbSNP rs763538373, ClinGen allele CA2976990.
Genomic context (GRCh38, chr4:78,387,366, plus strand): 5'-AGGTATCTAGTCCACTGGATTGTCCTTTCTTTCCCTCTTAACTGACTCTTCTTCCCTTCA[A>C]CTCCACAGGCCCCCTATGTGCTGAGAAATGAAGTTCTCCACATTAGCAGAGGAGAGAGGG-3'